The following is an entry in ClinVar:

NM_015662.3(IFT172):c.2819G>A (p.Arg940Gln)

Genes: IFT172 (intraflagellar transport 172; minus strand), LOC126806174 (CDK7 strongly-dependent group 2 enhancer GRCh37_chr2:27681686-27682885; plus strand). Cytogenetic location: 2p23.3.
Variant type: single nucleotide variant.
Coding change: c.2819G>A on transcript NM_015662.3 (MANE Select); coding-DNA position 2819, G replaced by A.
Protein change: p.Arg940Gln; replaces arginine 940 with glutamine.
Molecular consequence: missense variant.
Genome position (GRCh38, 1-based): chr2:27,458,837, C>T on the plus strand (G>A on the coding strand, the complement: IFT172 is on the minus strand). VCF-style: chr2-27458837-C-T. GRCh37 (hg19) VCF-style: chr2-27681704-C-T.
Other names: c.2819G>A (NM_015662.2, NM_015662.1); short protein forms R940Q.
Identifiers: ClinVar variation 1008363 (VCV001008363.8), dbSNP rs761248577, ClinGen allele CA1580173.

ClinVar aggregate classification (germline): Uncertain significance. Review status: criteria provided, multiple submitters, no conflicts (2 of 4 stars). 3 submissions from 3 submitters: Uncertain significance (2). 1 of the submissions does not count toward it. Last evaluated 2025-05-13.

Conditions:
IFT172-related disorder. Also called: IFT172-related condition; IFT172-related disorders.
Inborn genetic diseases. Identifiers: MedGen C0950123, MeSH D030342.
Retinitis pigmentosa 71 (RP71). Identifiers: Orphanet 791, MedGen C4225342, MONDO:0014618, OMIM 616394.
Short-rib thoracic dysplasia 10 with or without polydactyly (SRTD10). Identifiers: Orphanet 474, MedGen C3810175, MONDO:0014284, OMIM 615630.

Allele frequency attached by ClinVar (database versions not stated): ExAC 0.00002; gnomAD exomes 0.00003.
gnomAD v4.1: 20 of 1,614,026 alleles (0.0012%); highest among the groups gnomAD compares: Admixed American, 0.005%; no homozygotes.

Submissions (3):

Ambry Genetics
Classification: Uncertain significance for Inborn genetic diseases. Last evaluated: 2025-05-13. Review status: criteria provided, single submitter. Criteria: Ambry Variant Classification Scheme 2023. Collection method: clinical testing. Allele origin: germline.

Labcorp Genetics (formerly Invitae), Labcorp
Classification: Uncertain significance for Retinitis pigmentosa 71; Short-rib thoracic dysplasia 10 with or without polydactyly. Last evaluated: 2021-09-01. Review status: criteria provided, single submitter. Criteria: Invitae Variant Classification Sherloc (09022015). Collection method: clinical testing. Allele origin: germline.
Comment: This sequence change replaces arginine with glutamine at codon 940 of the IFT172 protein (p.Arg940Gln). The arginine residue is moderately conserved and there is a small physicochemical difference between arginine and glutamine. This variant is present in population databases (rs761248577, ExAC 0.003%). This variant has not been reported in the literature in individuals affected with IFT172-related conditions. Algorithms developed to predict the effect of missense changes on protein structure and function output the following: SIFT: "Tolerated"; PolyPhen-2: "Benign"; Align-GVGD: "Class C0". The glutamine amino acid residue is found in multiple mammalian species, which suggests that this missense change does not adversely affect protein function. In summary, the available evidence is currently insufficient to determine the role of this variant in disease. Therefore, it has been classified as a Variant of Uncertain Significance.

PreventionGenetics, part of Exact Sciences
Classification: Uncertain significance for IFT172-related condition. Last evaluated: 2024-01-08. Review status: no assertion criteria provided. Collection method: clinical testing. Allele origin: germline. Not counted in ClinVar's aggregate classification.
Comment: The IFT172 c.2819G>A variant is predicted to result in the amino acid substitution p.Arg940Gln. To our knowledge, this variant has not been reported in the literature. This variant is reported in 0.0080% of alleles in individuals of European (Finnish) descent in gnomAD. At this time, the clinical significance of this variant is uncertain due to the absence of conclusive functional and genetic evidence.